The following is an entry in ClinVar:

NC_012920.1(MT-CO1):m.7270T>C

Gene: MT-CO1 (mitochondrially encoded cytochrome c oxidase I; plus strand).
Variant type: single nucleotide variant.
Genome position: chrM-7270-T-C.
Identifiers: ClinVar variation 692724 (VCV000692724.2), dbSNP rs879002867, ClinGen allele CA337097586.
Genomic context (GRCh38, chrMT:7,270, plus strand): 5'-TGCCCCGACGTTACTCGGACTACCCCGATGCATACACCACATGAAACATCCTATCATCTG[T>C]AGGCTCATTCATTTCTCTAACAGCAGTAATATTAATAATTTTCATGATTTGAGAAGCCTT-3'

ClinVar aggregate classification (germline): Benign/Likely benign. Review status: criteria provided, multiple submitters, no conflicts (2 of 4 stars). 2 submissions from 2 submitters: Benign (1); Likely benign (1). Last evaluated 2025-02-16.

Conditions:
Leigh syndrome (NULS). Also called: Leigh's necrotizing encephalopathy; Leigh's disease; Leigh Syndrome (mtDNA deletion); Leigh Disease; Subacute necrotizing encephalopathy; Necrotizing encephalopathy infantile subacute of Leigh. Identifiers: Orphanet 506, MedGen C2931891, MONDO:0009723, OMIM 256000.

Submissions (2):

Laboratory of Genetics, Children's Clinical University Hospital Latvia
Classification: Likely benign. Last evaluated: 2025-02-16. Review status: criteria provided, single submitter. Criteria: ACMG Guidelines, 2015. Collection method: clinical testing. Allele origin: germline. Affected: yes.

Wong Mito Lab, Molecular and Human Genetics, Baylor College of Medicine
Classification: Benign for Leigh syndrome. Last evaluated: 2019-10-17. Review status: criteria provided, single submitter. Criteria: Modified ACMG Guidelines (Unpublished). Collection method: clinical testing. Allele origin: germline.
Comment: The NC_012920.1:m.7270T>C (YP_003024028.1:p.Val456Ala) variant in MTCO1 gene is interpretated to be a Benign variant based on the modified ACMG guidelines (unpublished). This variant meets the following evidence codes: BS1, BS4